The following is an entry in ClinVar:

ClinVar aggregate classification (germline): Uncertain significance. Review status: criteria provided, multiple submitters, no conflicts (2 of 4 stars). 2 submissions from 2 submitters: Uncertain significance (2). Last evaluated 2024-03-25.

gnomAD v4.1: 20 of 1,614,076 alleles (0.0012%); highest among the groups gnomAD compares: East Asian, 0.0045%; no homozygotes.

Submissions (2):

GeneDx
Classification: Uncertain significance. Last evaluated: 2024-03-25. Review status: criteria provided, single submitter. Criteria: GeneDx Variant Classification Process June 2021. Collection method: clinical testing. Allele origin: germline. Affected: yes.
Comment: Has not been previously published as pathogenic or benign to our knowledge; In silico analysis supports that this missense variant has a deleterious effect on protein structure/function

Mayo Clinic Laboratories, Mayo Clinic
Classification: Uncertain significance. Last evaluated: 2023-07-31. Review status: criteria provided, single submitter. Criteria: ACMG Guidelines, 2015. Collection method: clinical testing. Allele origin: germline. Observed: 1 variant allele.

NM_144599.5(NIPA1):c.773C>T (p.Ser258Leu)

Gene: NIPA1 (NIPA magnesium transporter 1; plus strand). Cytogenetic location: 15q11.2.
Variant type: single nucleotide variant.
Coding change: c.773C>T on transcript NM_144599.5 (MANE Select); coding-DNA position 773, C replaced by T.
Protein change: p.Ser258Leu; replaces serine 258 with leucine.
Molecular consequence: missense variant.
Genome position (GRCh38, 1-based): chr15:22,824,022, C>T. VCF-style: chr15-22824022-C-T. GRCh37 (hg19) VCF-style: chr15-23049046-G-A.
Other names: p.Ser258Leu; c.548C>T, p.Ser183Leu (NM_001142275.1); short protein forms S183L, S258L.
Identifiers: ClinVar variation 3371301 (VCV003371301.2).
Genomic context (GRCh38, chr15:22,824,022, plus strand): 5'-GCTGCAGCATCATCGTCCAGTTCAGGTACATCAACAAGGCGCTGGAGTGCTTCGACTCCT[C>T]GGTGTTCGGGGCCATCTACTACGTCGTGTTTACCACGCTGGTCCTGCTGGCCTCAGCCAT-3'
Protein context (NP_653200.2, residues 248-268): INKALECFDS[Ser258Leu]VFGAIYYVVF